The following is an entry in ClinVar:

ClinVar aggregate classification (germline): Pathogenic (1 of 4 stars; one submission).

Conditions:
Trimethylaminuria (TMAU). Also called: FISH-ODOR SYNDROME; Fish malodor syndrome; Stale fish syndrome; TMAuria; Primary Trimethylaminuria. Identifiers: MedGen C0342739, MONDO:0011182, OMIM 602079, HP:0003614. Disease mechanism: loss of function.

Submission:

Myriad Genetics, Inc.
Classification: Pathogenic for Trimethylaminuria. Last evaluated: 2025-07-29. Review status: criteria provided, single submitter. Criteria: Myriad Autosomal Dominant, Autosomal Recessive and X-Linked Classification Criteria (2023). Collection method: clinical testing. Allele origin: unknown.
Comment: NM_001002294.2(FMO3):c.328delG(V110Yfs*4) is expected to be pathogenic in the context of primary trimethylaminuria. This variant is predicted to lead to an abnormal or absent protein product due to the creation of a premature termination codon in FMO3, a gene where loss-of-function variants are known to be pathogenic. Please note: this variant was assessed in the context of healthy population screening.

NM_001002294.3(FMO3):c.328del (p.Val110fs)

Gene: FMO3 (flavin containing dimethylaniline monoxygenase 3; plus strand). Cytogenetic location: 1q24.3.
Variant type: Deletion.
Coding change: c.328del on transcript NM_001002294.3 (MANE Select); coding-DNA position 328, one base deleted (G; older notation c.328delG).
Protein change: p.Val110fs; shifts the reading frame from valine 110.
Molecular consequence: frameshift variant.
Genome position (GRCh38, 1-based): chr1:171,107,681, G deleted. VCF-style (leftmost placement, unchanged base first): chr1-171107680-TG-T. GRCh37 (hg19) VCF-style: chr1-171076821-TG-T.
Other names: c.268del, p.Val90fs (NM_001319173.2); c.139del, p.Val47fs (NM_001319174.2); c.328del, p.Val110fs (NM_006894.6); short protein forms V110fs, V47fs, V90fs.
Identifiers: ClinVar variation 5014785 (VCV005014785.1).